The following is an entry in ClinVar:

NM_004168.4(SDHA):c.553C>G (p.Gln185Glu)

Gene: SDHA (succinate dehydrogenase complex flavoprotein subunit A; plus strand). Cytogenetic location: 5p15.33.
Variant type: single nucleotide variant.
Coding change: c.553C>G on transcript NM_004168.4 (MANE Select); coding-DNA position 553, C replaced by G.
Protein change: p.Gln185Glu; replaces glutamine 185 with glutamic acid.
Molecular consequence: missense variant.
Genome position (GRCh38, 1-based): chr5:225,979, C>G. VCF-style: chr5-225979-C-G. GRCh37 (hg19) VCF-style: chr5-226094-C-G.
Other names: c.409C>G, p.Gln137Glu (NM_001294332.2); c.553C>G, p.Gln185Glu (NM_001330758.2); short protein forms Q137E, Q185E.
Identifiers: ClinVar variation 825814 (VCV000825814.15), dbSNP rs775827529, ClinGen allele CA359010374.
Genomic context (GRCh38, chr5:225,979, plus strand): 5'-GATGGGAAGATTTATCAGCGTGCATTTGGTGGACAGAGCCTCAAGTTTGGAAAGGGCGGG[C>G]AGGCCCATCGGTGCTGCTGTGTGGCTGATCGGACTGGCCACTCGCTATTGCACACCTTAT-3'
Protein context (NP_004159.2, residues 175-195): GQSLKFGKGG[Gln185Glu]AHRCCCVADR

ClinVar aggregate classification (germline): Uncertain significance. Review status: criteria provided, multiple submitters, no conflicts (2 of 4 stars). 3 submissions from 3 submitters: Uncertain significance (3). Last evaluated 2025-12-22.

Conditions:
Hereditary cancer-predisposing syndrome. Also called: Tumor predisposition; Hereditary neoplastic syndrome; Neoplastic Syndromes, Hereditary; Hereditary Cancer Syndrome. Identifiers: Orphanet 140162, MedGen C0027672, MeSH D009386, MONDO:0015356.
Pheochromocytoma/paraganglioma syndrome 5. Also called: Paragangliomas 5; SDHA-Related Hereditary Paraganglioma-Pheochromocytoma Syndrome. Identifiers: Orphanet 29072, MedGen C3279992, MONDO:0013602, OMIM 614165.
Mitochondrial complex II deficiency, nuclear type 1. Also called: SUCCINATE CoQ REDUCTASE DEFICIENCY. Identifiers: Orphanet 3208, MedGen C5700310, MONDO:0100294, OMIM 252011.
Dilated cardiomyopathy 1GG (CMD1GG). Identifiers: Orphanet 154, MedGen C3150898, MONDO:0013339, OMIM 613642.

Allele frequency attached by ClinVar (database versions not stated): gnomAD exomes below 0.00001; TOPMed 0.00002.
gnomAD v4.1: 7 of 1,614,048 alleles (0.00043%); highest among the groups gnomAD compares: Non-Finnish European, 0.00059%; no homozygotes.

Submissions (3):

Labcorp Genetics (formerly Invitae), Labcorp
Classification: Uncertain significance for Pheochromocytoma/paraganglioma syndrome 5; Mitochondrial complex II deficiency, nuclear type 1. Last evaluated: 2025-12-22. Review status: criteria provided, single submitter. Criteria: Invitae Variant Classification Sherloc (09022015). Collection method: clinical testing. Allele origin: germline.
Comment: This sequence change replaces glutamine, which is neutral and polar, with glutamic acid, which is acidic and polar, at codon 185 of the SDHA protein (p.Gln185Glu). This variant is not present in population databases (gnomAD no frequency). This variant has not been reported in the literature in individuals affected with SDHA-related conditions. ClinVar contains an entry for this variant (Variation ID: 825814). Invitae Evidence Modeling of protein sequence and biophysical properties (such as structural, functional, and spatial information, amino acid conservation, physicochemical variation, residue mobility, and thermodynamic stability) indicates that this missense variant is not expected to disrupt SDHA protein function with a negative predictive value of 95%. In summary, the available evidence is currently insufficient to determine the role of this variant in disease. Therefore, it has been classified as a Variant of Uncertain Significance.

Ambry Genetics
Classification: Uncertain significance for Hereditary cancer-predisposing syndrome. Last evaluated: 2024-03-03. Review status: criteria provided, single submitter. Criteria: Ambry Variant Classification Scheme 2023. Collection method: clinical testing. Allele origin: germline.
Comment: The p.Q185E variant (also known as c.553C>G), located in coding exon 5 of the SDHA gene, results from a C to G substitution at nucleotide position 553. The glutamine at codon 185 is replaced by glutamic acid, an amino acid with highly similar properties. This amino acid position is highly conserved in available vertebrate species. In addition, the in silico prediction for this alteration is inconclusive. Since supporting evidence is limited at this time, the clinical significance of this alteration remains unclear.

Baylor Genetics
Classification: Uncertain significance for Dilated cardiomyopathy 1GG. Last evaluated: 2023-07-16. Review status: criteria provided, single submitter. Criteria: ACMG Guidelines, 2015. Collection method: clinical testing. Allele origin: unknown.